The following is an entry in ClinVar:

ClinVar aggregate classification (germline): Uncertain significance (1 of 4 stars; one submission).

Submission:

GeneDx
Classification: Uncertain significance. Last evaluated: 2023-05-02. Review status: criteria provided, single submitter. Criteria: GeneDx Variant Classification Process June 2021. Collection method: clinical testing. Allele origin: germline. Affected: yes.
Comment: In-frame deletion of one amino acid in a repetitive region with no known function; Has not been previously published as pathogenic or benign to our knowledge

NM_001080421.3(UNC13A):c.1034AGG[5] (p.Glu350del)

Gene: UNC13A (unc-13 homolog A; minus strand). Cytogenetic location: 19p13.11.
Variant type: Microsatellite.
Coding change: c.1034AGG[5] on transcript NM_001080421.3 (MANE Select); five copies in a row of the 3-base unit AGG starting at c.1034; the reference has six copies in a row; one copy, 3 bases deleted.
Protein change: p.Glu350del; deletes glutamic acid 350.
Molecular consequence: inframe deletion.
Genome position (GRCh38, 1-based): chr19:17,656,115-17,656,117, CCT deleted on the plus strand (AGG on the coding strand, the reverse complement: UNC13A is on the minus strand); deleting any 3 consecutive bases within chr19:17,656,115-17,656,134 gives the same sequence; the position shown is the placement nearest the transcript's 3' end. VCF-style (leftmost placement, unchanged base first): chr19-17656114-ACCT-A. GRCh37 (hg19) VCF-style: chr19-17766923-ACCT-A.
Other names: c.1034AGG[5], p.Glu350del (NM_001387021.1, NM_001387022.1, NM_001387023.1); short protein forms E350del.
Identifiers: ClinVar variation 2662193 (VCV002662193.1), dbSNP rs747948886, ClinGen allele CA9298618.